The following is an entry in ClinVar:

ClinVar aggregate classification (germline): Likely benign (0 of 4 stars; one submission).

Conditions:
FYCO1-related disorder. Also called: FYCO1-related condition.

Allele frequency attached by ClinVar (database versions not stated): ExAC 0.00002; gnomAD exomes 0.00004; gnomAD 0.00005; TOPMed 0.00008.
gnomAD v4.1: 68 of 1,613,980 alleles (0.0042%); highest among the groups gnomAD compares: Non-Finnish European, 0.0052%; no homozygotes.

Submission:

PreventionGenetics, part of Exact Sciences
Classification: Likely benign for FYCO1-related condition. Last evaluated: 2022-04-29. Review status: no assertion criteria provided. Collection method: clinical testing. Allele origin: germline.
Comment: This variant is classified as likely benign based on ACMG/AMP sequence variant interpretation guidelines (Richards et al. 2015 PMID: 25741868, with internal and published modifications).

NM_024513.4(FYCO1):c.2673C>T (p.His891=)

Gene: FYCO1 (FYVE and coiled-coil domain autophagy adaptor 1; minus strand). Cytogenetic location: 3p21.31.
Variant type: single nucleotide variant.
Coding change: c.2673C>T on transcript NM_024513.4 (MANE Select); coding-DNA position 2673, C replaced by T.
Protein change: p.His891=; no amino-acid change (histidine 891 retained).
Molecular consequence: synonymous variant. On other transcripts: non-coding transcript variant (1).
Genome position (GRCh38, 1-based): chr3:45,966,661, G>A on the plus strand (C>T on the coding strand, the complement: FYCO1 is on the minus strand). VCF-style: chr3-45966661-G-A. GRCh37 (hg19) VCF-style: chr3-46008153-G-A.
Other names: c.2673C>T, p.His891= (NM_001386421.1, NM_001386422.1, NM_001386423.1 and 4 more transcripts); c.2553C>T, p.His851= (NM_001386426.1); c.2529C>T, p.His843= (NM_001386427.1); c.2073C>T, p.His691= (NM_001386430.1).
Identifiers: ClinVar variation 3031118 (VCV003031118.2), dbSNP rs778221335, ClinGen allele CA2352992.